The following is an entry in ClinVar:

NM_000052.7(ATP7A):c.836C>A (p.Ala279Asp)

Gene: ATP7A (ATPase copper transporting alpha; plus strand). Cytogenetic location: Xq21.1.
Variant type: single nucleotide variant.
Coding change: c.836C>A on transcript NM_000052.7 (MANE Select); coding-DNA position 836, C replaced by A.
Protein change: p.Ala279Asp; replaces alanine 279 with aspartic acid.
Molecular consequence: missense variant.
Genome position (GRCh38, 1-based): chrX:77,989,458, C>A. VCF-style: chrX-77989458-C-A. GRCh37 (hg19) VCF-style: chrX-77244954-C-A.
Other names: c.836C>A, p.Ala279Asp (NM_001282224.2); short protein forms A279D.
Identifiers: ClinVar variation 2949791 (VCV002949791.3), dbSNP rs1557231787, ClinGen allele CA413601133.

ClinVar aggregate classification (germline): Uncertain significance (1 of 4 stars; one submission).

Conditions:
Menkes kinky-hair syndrome (MNK). Also called: Classic Menkes Disease; Copper transport disease; Menkes Disease. Identifiers: Orphanet 565, MedGen C0022716, MONDO:0010651, OMIM 309400.
Cutis laxa, X-linked (OHS). Also called: EDS IX; Occipital horn syndrome. Identifiers: Orphanet 198, MedGen C0268353, MONDO:0010572, OMIM 304150.
X-linked distal spinal muscular atrophy type 3. Also called: ATP7A-Related Distal Motor Neuropathy; SPINAL MUSCULAR ATROPHY, DISTAL, X-LINKED RECESSIVE; NEURONOPATHY, DISTAL HEREDITARY MOTOR, X-LINKED; NEUROPATHY, DISTAL HEREDITARY MOTOR, X-LINKED. Identifiers: Orphanet 139557, MedGen C1845359, MONDO:0010338, OMIM 300489.

Submission:

Labcorp Genetics (formerly Invitae), Labcorp
Classification: Uncertain significance for X-linked distal spinal muscular atrophy type 3; Cutis laxa, X-linked; Menkes kinky-hair syndrome. Last evaluated: 2023-07-12. Review status: criteria provided, single submitter. Criteria: Invitae Variant Classification Sherloc (09022015). Collection method: clinical testing. Allele origin: germline.
Comment: In summary, the available evidence is currently insufficient to determine the role of this variant in disease. Therefore, it has been classified as a Variant of Uncertain Significance. Advanced modeling of protein sequence and biophysical properties (such as structural, functional, and spatial information, amino acid conservation, physicochemical variation, residue mobility, and thermodynamic stability) performed at Invitae indicates that this missense variant is not expected to disrupt ATP7A protein function. This variant has not been reported in the literature in individuals affected with ATP7A-related conditions. This variant is not present in population databases (gnomAD no frequency). This sequence change replaces alanine, which is neutral and non-polar, with aspartic acid, which is acidic and polar, at codon 279 of the ATP7A protein (p.Ala279Asp).